The following is an entry in ClinVar:

NM_003037.5(SLAMF1):c.742G>A (p.Val248Ile)

Gene: SLAMF1 (signaling lymphocytic activation molecule family member 1; minus strand). Cytogenetic location: 1q23.3.
Variant type: single nucleotide variant.
Coding change: c.742G>A on transcript NM_003037.5 (MANE Select); coding-DNA position 742, G replaced by A.
Protein change: p.Val248Ile; replaces valine 248 with isoleucine.
Molecular consequence: missense variant. On other transcripts: non-coding transcript variant (2).
Genome position (GRCh38, 1-based): chr1:160,624,144, C>T on the plus strand (G>A on the coding strand, the complement: SLAMF1 is on the minus strand). VCF-style: chr1-160624144-C-T. GRCh37 (hg19) VCF-style: chr1-160593934-C-T.
Other names: c.742G>A, p.Val248Ile (NM_001330754.2); short protein forms V248I.
Identifiers: ClinVar variation 4836574 (VCV004836574.1).
Genomic context (GRCh38, chr1:160,624,144, plus strand): 5'-CCAGACACCTACCTCTTCTTCTCAACTGTAGTATTACCACCATGATGAGAATCATGATGA[C>T]ACCCCCTAACAGCCCAGCATACACTGCCCATGGTTTTGTTTCTGGAAAAAAAAAGAAGTC-3'
Protein context (NP_003028.1, residues 238-258): WAVYAGLLGG[Val248Ile]IMILIMVVIL

ClinVar aggregate classification (germline): Uncertain significance (1 of 4 stars; one submission).

gnomAD v4.1: 1 of 1,611,172 alleles (0.000062%); highest among the groups gnomAD compares: Non-Finnish European, 0.000085%; no homozygotes.

Submission:

Ambry Genetics
Classification: Uncertain significance. Last evaluated: 2025-12-16. Review status: criteria provided, single submitter. Criteria: Ambry Variant Classification Scheme 2023. Collection method: clinical testing. Allele origin: germline.
Comment: The c.742G>A (p.V248I) alteration is located in exon 4 (coding exon 4) of the SLAMF1 gene. This alteration results from a G to A substitution at nucleotide position 742, causing the valine (V) at amino acid position 248 to be replaced by an isoleucine (I). Based on data from gnomAD, the A allele has an overall frequency of <0.001% (1/248290) total alleles studied. The highest observed frequency was 0.001% (1/112754) of European (non-Finnish) alleles. Based on insufficient or conflicting evidence, the clinical significance of this alteration remains unclear.